The following is an entry in ClinVar:

NM_020779.4(WDR35):c.2408A>G (p.Gln803Arg)

Gene: WDR35 (WD repeat domain 35; minus strand). Cytogenetic location: 2p24.1.
Variant type: single nucleotide variant.
Coding change: c.2408A>G on transcript NM_020779.4 (MANE Select); coding-DNA position 2408, A replaced by G.
Protein change: p.Gln803Arg; replaces glutamine 803 with arginine.
Molecular consequence: missense variant.
Genome position (GRCh38, 1-based): chr2:19,936,225, T>C on the plus strand (A>G on the coding strand, the complement: WDR35 is on the minus strand). VCF-style: chr2-19936225-T-C. GRCh37 (hg19) VCF-style: chr2-20135986-T-C.
Other names: c.2441A>G, p.Gln814Arg (NM_001006657.2); short protein forms Q814R, Q803R.
Identifiers: ClinVar variation 1377458 (VCV001377458.6), dbSNP rs2103403345, ClinGen allele CA345943155.
Genomic context (GRCh38, chr2:19,936,225, plus strand): 5'-GGCAGCTACTAAGTGTTGCATGAATGCTTGAGGAGCTCCAGGTAAGTTACATACCACTTT[T>C]GTCGATCAGCAAAGTAGTCTCCAATGGCATTGTTGGCTTGTTCCAGGAGACTGTCATCTG-3'
Protein context (NP_065830.2, residues 793-813): NAIGDYFADR[Gln803Arg]KWLNAVQYYV

ClinVar aggregate classification (germline): Uncertain significance (1 of 4 stars; one submission).

Conditions:
Cranioectodermal dysplasia 2 (CED2). Identifiers: Orphanet 1515, MedGen C3150874, MONDO:0013323, OMIM 613610.
Short-rib thoracic dysplasia 7 with or without polydactyly (SRTD7). Also called: Short rib polydactyly syndrome 5; SHORT-RIB THORACIC DYSPLASIA 7 WITH POLYDACTYLY. Identifiers: Orphanet 498497, Orphanet 93271, MedGen C3279792, MONDO:0013569, OMIM 614091.

Submission:

Labcorp Genetics (formerly Invitae), Labcorp
Classification: Uncertain significance for Cranioectodermal dysplasia 2; Short-rib thoracic dysplasia 7 with or without polydactyly. Last evaluated: 2025-09-04. Review status: criteria provided, single submitter. Criteria: Invitae Variant Classification Sherloc (09022015). Collection method: clinical testing. Allele origin: germline.
Comment: This sequence change replaces glutamine, which is neutral and polar, with arginine, which is basic and polar, at codon 814 of the WDR35 protein (p.Gln814Arg). This variant is not present in population databases (gnomAD no frequency). This variant has not been reported in the literature in individuals affected with WDR35-related conditions. ClinVar contains an entry for this variant (Variation ID: 1377458). Invitae Evidence Modeling of protein sequence and biophysical properties (such as structural, functional, and spatial information, amino acid conservation, physicochemical variation, residue mobility, and thermodynamic stability) indicates that this missense variant is not expected to disrupt WDR35 protein function with a negative predictive value of 95%. In summary, the available evidence is currently insufficient to determine the role of this variant in disease. Therefore, it has been classified as a Variant of Uncertain Significance.